The following is an entry in ClinVar:

ClinVar aggregate classification (germline): Uncertain significance. Review status: criteria provided, multiple submitters, no conflicts (2 of 4 stars). 4 submissions from 4 submitters: Uncertain significance (4). Last evaluated 2026-01-16.

Conditions:
TULP1-related disorder. Also called: TULP1-related condition; TULP1-related disorders.

Submissions (4):

Women's Health and Genetics/Laboratory Corporation of America, LabCorp
Classification: Uncertain significance. Last evaluated: 2026-01-16. Review status: criteria provided, single submitter. Criteria: LabCorp Variant Classification Summary - May 2015. Collection method: clinical testing. Allele origin: germline.
Comment: Variant summary: TULP1 c.953G>A (p.Arg318Gln) results in a conservative amino acid change in the encoded protein sequence. Algorithms developed to predict the effect of missense changes on protein structure and function are either unavailable or do not agree on the potential impact of this missense change. The variant was absent in 251002 control chromosomes. The available data on variant occurrences in the general population are insufficient to allow any conclusion about variant significance. c.953G>A has been observed in individual(s) affected with retinitis pigmentosa (e.g. Martin-Merida_2019). These report(s) do not provide unequivocal conclusions about association of the variant with Leber congenital amaurosis. To our knowledge, no experimental evidence demonstrating an impact on protein function has been reported. The following publication has been ascertained in the context of this evaluation (PMID: 30902645). ClinVar contains an entry for this variant (Variation ID: 1357201). Based on the evidence outlined above, the variant was classified as uncertain significance.

PreventionGenetics, part of Exact Sciences
Classification: Uncertain significance for TULP1-related condition. Last evaluated: 2025-09-24. Review status: criteria provided, single submitter. Criteria: ACMG Guidelines, 2015. Collection method: clinical testing. Allele origin: germline.
Comment: The TULP1 c.953G>A variant is predicted to result in the amino acid substitution p.Arg318Gln. This variant has been reported along with another TULP1 missense variant in an individual with retinitis pigmentosa (Table S2, Martin-Merida et al. 2019. PubMed ID: 30902645). This variant is predicted damaging to the encoded protein (Liu et al. 2016. PMID: 26555599). This variant is absent in a large population database (gnomAD), indicating this variant is rare. Although we suspect that this variant may be pathogenic, at this time, the clinical significance of this variant is uncertain due to the absence of conclusive functional and genetic evidence.

Blueprint Genetics
Classification: Uncertain significance. Last evaluated: 2022-03-25. Review status: criteria provided, single submitter. Criteria: ACMG Guidelines, 2015. Collection method: clinical testing. Allele origin: germline.

Labcorp Genetics (formerly Invitae), Labcorp
Classification: Uncertain significance. Last evaluated: 2021-10-14. Review status: criteria provided, single submitter. Criteria: Invitae Variant Classification Sherloc (09022015). Collection method: clinical testing. Allele origin: germline.

Literature cited by the submitters: PubMed 30902645 (cited by Women's Health and Genetics/Laboratory Corporation of America, LabCorp).

NM_003322.6(TULP1):c.953G>A (p.Arg318Gln)

Gene: TULP1 (TUB like protein 1; minus strand). Cytogenetic location: 6p21.31.
Variant type: single nucleotide variant.
Coding change: c.953G>A on transcript NM_003322.6 (MANE Select); coding-DNA position 953, G replaced by A.
Protein change: p.Arg318Gln; replaces arginine 318 with glutamine.
Molecular consequence: missense variant.
Genome position (GRCh38, 1-based): chr6:35,506,049, C>T on the plus strand (G>A on the coding strand, the complement: TULP1 is on the minus strand). VCF-style: chr6-35506049-C-T. GRCh37 (hg19) VCF-style: chr6-35473826-C-T.
Other names: c.794G>A, p.Arg265Gln (NM_001289395.2); c.953G>A (NM_003322.5); short protein forms R265Q, R318Q.
Identifiers: ClinVar variation 1357201 (VCV001357201.6), dbSNP rs986255916, ClinGen allele CA363780141.